The following is an entry in ClinVar:

NM_000038.6(APC):c.5304G>A (p.Lys1768=)

Gene: APC (APC regulator of Wnt signaling pathway; plus strand). Cytogenetic location: 5q22.2.
Variant type: single nucleotide variant.
Coding change: c.5304G>A on transcript NM_000038.6 (MANE Select); coding-DNA position 5304, G replaced by A.
Protein change: p.Lys1768=; no amino-acid change (lysine 1768 retained).
Molecular consequence: synonymous variant.
Genome position (GRCh38, 1-based): chr5:112,840,898, G>A. VCF-style: chr5-112840898-G-A. GRCh37 (hg19) VCF-style: chr5-112176595-G-A.
Other names: c.5304G>A, p.Lys1768= (NM_001127510.3, NM_001354895.2); c.5250G>A, p.Lys1750= (NM_001127511.3); c.5358G>A, p.Lys1786= (NM_001354896.2); c.5334G>A, p.Lys1778= (NM_001354897.2); c.5229G>A, p.Lys1743= (NM_001354898.2); c.5220G>A, p.Lys1740= (NM_001354899.2); c.5181G>A, p.Lys1727= (NM_001354900.2); c.5127G>A, p.Lys1709= (NM_001354901.2); and 5 more.
Identifiers: ClinVar variation 215568 (VCV000215568.61), dbSNP rs863224285, ClinGen allele CA339368.

ClinVar aggregate classification (germline): Conflicting classifications of pathogenicity. Review status: criteria provided, conflicting classifications (1 of 4 stars). 10 submissions from 10 submitters: Uncertain significance (2); Benign (1); Likely benign (6). 1 of the submissions does not count toward it. Last evaluated 2026-01-28.

Conditions:
Hereditary cancer-predisposing syndrome. Also called: Hereditary neoplastic syndrome; Neoplastic Syndromes, Hereditary; Tumor predisposition; Hereditary Cancer Syndrome. Identifiers: Orphanet 140162, MedGen C0027672, MeSH D009386, MONDO:0015356.
Familial adenomatous polyposis 1 (FAP1). Also called: POLYPOSIS, ADENOMATOUS INTESTINAL; FAMILIAL ADENOMATOUS POLYPOSIS 1, ATTENUATED. Identifiers: MedGen C2713442, MONDO:0021056, OMIM 175100. Disease mechanism: loss of function.
Classic or attenuated familial adenomatous polyposis. Identifiers: MedGen CN372698, MONDO:0021057.

Allele frequency attached by ClinVar (database versions not stated): gnomAD exomes below 0.00001 and 0.00001; TOPMed below 0.00001; gnomAD 0.00001.
gnomAD v4.1: 15 of 1,613,810 alleles (0.00093%); highest among the groups gnomAD compares: Non-Finnish European, 0.0013%; no homozygotes.

Submissions (10):

Labcorp Genetics (formerly Invitae), Labcorp
Classification: Likely benign for Familial adenomatous polyposis 1. Last evaluated: 2026-01-28. Review status: criteria provided, single submitter. Criteria: Invitae Variant Classification Sherloc (09022015). Collection method: clinical testing. Allele origin: germline.

Quest Diagnostics Nichols Institute San Juan Capistrano
Classification: Uncertain significance. Last evaluated: 2024-09-30. Review status: criteria provided, single submitter. Criteria: Quest Diagnostics criteria. Collection method: clinical testing. Allele origin: unknown.
Comment: The APC c.5304G>A (p.Lys1768=) synonymous variant has not been reported in individuals with APC-related conditions in the published literature. The frequency of this variant in the general population, 0.000004 (1/250520 chromosomes (Genome Aggregation Database)), is uninformative in the assessment of its pathogenicity. Analysis of this variant using software algorithms for the prediction of the effect of nucleotide changes on splicing yielded predictions that this variant does not affect APC mRNA splicing. Based on the available information, we are unable to determine the clinical significance of this variant.

Myriad Genetics, Inc.
Classification: Benign for Familial adenomatous polyposis 1. Last evaluated: 2024-04-01. Review status: criteria provided, single submitter. Criteria: Myriad Autosomal Dominant, Autosomal Recessive and X-Linked Classification Criteria (2023). Collection method: clinical testing. Allele origin: unknown.
Comment: This variant is considered benign. This variant is a silent/synonymous amino acid change and it is not expected to impact splicing.

All of Us Research Program, National Institutes of Health
Classification: Likely benign for Classic or attenuated familial adenomatous polyposis. Last evaluated: 2023-11-02. Review status: criteria provided, single submitter. Criteria: ACMG Guidelines, 2015. Collection method: clinical testing. Allele origin: germline. Inheritance: Autosomal dominant inheritance. Observed: 2 variant alleles, 2 heterozygotes.
Comment: This study involves interpretation of variants in research participants for the purpose of population health screening. Participant phenotype was not available at the time of variant classification. Additional details can be found in publication PMID: 35346344, PMCID: PMC8962531

Sema4
Classification: Uncertain significance for Hereditary cancer-predisposing syndrome. Last evaluated: 2022-03-09. Review status: criteria provided, single submitter. Criteria: Sema4 Curation Guidelines. Collection method: curation. Allele origin: germline.
Comment: The APC c.5304G>A (p.K1768=) variant has not been reported in the literature to our knowledge. This variant was observed in 1/113062 chromosomes in the Non-Finnish European population according to the Genome Aggregation Database (PMID: 32461654). This variant has been reported in ClinVar (Variation ID: 215568). The nucleotide is moderately conserved and in silico tools suggest that this variant may not impact splicing, though these predictions have not been confirmed by functional studies.The evidence is insufficient to meet ACMG/AMP criteria for classifying the variant as benign or pathogenic. Thus, the clinical significance of this variant is currently uncertain.

Women's Health and Genetics/Laboratory Corporation of America, LabCorp
Classification: Likely benign. Last evaluated: 2019-08-20. Review status: criteria provided, single submitter. Criteria: LabCorp Variant Classification Summary - May 2015. Collection method: clinical testing. Allele origin: germline.

Color Diagnostics, LLC DBA Color Health
Classification: Likely benign for Hereditary cancer-predisposing syndrome. Last evaluated: 2018-11-01. Review status: criteria provided, single submitter. Criteria: ACMG Guidelines, 2015. Collection method: clinical testing. Allele origin: germline.

GeneDx
Classification: Likely benign. Last evaluated: 2017-03-03. Review status: criteria provided, single submitter. Criteria: GeneDx Variant Classification (06012015). Collection method: clinical testing. Allele origin: germline. Affected: yes.
Comment: This variant is considered likely benign or benign based on one or more of the following criteria: it is a conservative change, it occurs at a poorly conserved position in the protein, it is predicted to be benign by multiple in silico algorithms, and/or has population frequency not consistent with disease.

Ambry Genetics
Classification: Likely benign for Hereditary cancer-predisposing syndrome. Last evaluated: 2015-09-17. Review status: criteria provided, single submitter. Criteria: Ambry Variant Classification Scheme 2023. Collection method: clinical testing. Allele origin: germline.

Department of Pathology and Laboratory Medicine, Sinai Health System
Classification: Uncertain significance. Review status: no assertion criteria provided. Collection method: clinical testing. Allele origin: unknown. Affected: yes. Study: The Canadian Open Genetics Repository (COGR). Not counted in ClinVar's aggregate classification.
Comment: The APC p.Lys1768= variant was not identified in the literature nor was it identified in the following databases: COGR, Cosmic, MutDB, LOVD 3.0, or the Zhejiang Colon Cancer Database. The variant was identified in dbSNP (ID: rs863224285) â€šÃ„ÃºWith Likely benign alleleâ€šÃ„Ã¹, ClinVar (classified as likely benign by Invitae, Ambry Genetics and GeneDx, and uncertain significance by Laboratory Corporation of America), Clinvitae (2x), UMD-LSDB (1x as UV), and in control databases in 1 of 245394 chromosomes at a frequency of 0.000004 (Genome Aggregation Database Feb 27, 2017). It was observed in the European Non-Finnish population in 1 of 111050 chromosomes (freq: 0.000009), but not in African, Other, Latino, Ashkenazi Jewish, East Asian, European Finnish, and South Asian populations. The p.Lys1768= variant is not expected to have clinical significance because it does not result in a change of amino acid and occurs outside of the splicing consensus sequence. However, 4 of 5 in silico or computational prediction software programs (SpliceSiteFinder, MaxEntScan, NNSPLICE, GeneSplicer, HumanSpliceFinder) predict a greater than 10% difference in splicing; however, this information is not predictive enough to assume pathogenicity. In summary, based on the above information the clinical significance of this variant cannot be determined with certainty at this time. This variant is classified as a variant of uncertain significance.